The following is an entry in ClinVar:

NM_004064.5(CDKN1B):c.200A>T (p.His67Leu)

Gene: CDKN1B (cyclin dependent kinase inhibitor 1B; plus strand). Cytogenetic location: 12p13.1.
Variant type: single nucleotide variant.
Coding change: c.200A>T on transcript NM_004064.5 (MANE Select); coding-DNA position 200, A replaced by T.
Protein change: p.His67Leu; replaces histidine 67 with leucine.
Molecular consequence: missense variant.
Genome position (GRCh38, 1-based): chr12:12,718,039, A>T. VCF-style: chr12-12718039-A-T. GRCh37 (hg19) VCF-style: chr12-12870973-A-T.
Other names: short protein forms H67L.
Identifiers: ClinVar variation 1427895 (VCV001427895.9), dbSNP rs1946490856, ClinGen allele CA383969465.

ClinVar aggregate classification (germline): Uncertain significance. Review status: criteria provided, multiple submitters, no conflicts (2 of 4 stars). 2 submissions from 2 submitters: Uncertain significance (2). Last evaluated 2024-09-22.

Conditions:
Multiple endocrine neoplasia type 4. Also called: MULTIPLE ENDOCRINE NEOPLASIA, TYPE IV. Identifiers: Orphanet 276152, MedGen C1970712, MONDO:0012552, OMIM 610755.

Submissions (2):

Genomic Medicine Center of Excellence, King Faisal Specialist Hospital and Research Centre
Classification: Uncertain significance for Multiple endocrine neoplasia type 4. Last evaluated: 2024-09-22. Review status: criteria provided, single submitter. Criteria: ACMG Guidelines, 2015. Collection method: clinical testing. Allele origin: germline.

Labcorp Genetics (formerly Invitae), Labcorp
Classification: Uncertain significance for Multiple endocrine neoplasia type 4. Last evaluated: 2020-11-03. Review status: criteria provided, single submitter. Criteria: Invitae Variant Classification Sherloc (09022015). Collection method: clinical testing. Allele origin: germline.
Comment: This sequence change replaces histidine with leucine at codon 67 of the CDKN1B protein (p.His67Leu). The histidine residue is highly conserved and there is a moderate physicochemical difference between histidine and leucine. This variant is not present in population databases (ExAC no frequency). This variant has not been reported in the literature in individuals with CDKN1B-related conditions. Algorithms developed to predict the effect of missense changes on protein structure and function (SIFT, PolyPhen-2, Align-GVGD) all suggest that this variant is likely to be disruptive, but these predictions have not been confirmed by published functional studies and their clinical significance is uncertain. In summary, the available evidence is currently insufficient to determine the role of this variant in disease. Therefore, it has been classified as a Variant of Uncertain Significance.